The following is an entry in ClinVar:

NM_003332.4(TYROBP):c.142A>G (p.Met48Val)

Gene: TYROBP (transmembrane immune signaling adaptor TYROBP; minus strand). Cytogenetic location: 19q13.12.
Variant type: single nucleotide variant.
Coding change: c.142A>G on transcript NM_003332.4 (MANE Select); coding-DNA position 142, A replaced by G.
Protein change: p.Met48Val; replaces methionine 48 with valine.
Molecular consequence: missense variant. On other transcripts: non-coding transcript variant (1).
Genome position (GRCh38, 1-based): chr19:35,907,533, T>C on the plus strand (A>G on the coding strand, the complement: TYROBP is on the minus strand). VCF-style: chr19-35907533-T-C. GRCh37 (hg19) VCF-style: chr19-36398435-T-C.
Other names: c.109A>G, p.Met37Val (NM_001173514.2, NM_001173515.2); c.142A>G, p.Met48Val (NM_198125.3); short protein forms M48V, M37V.
Identifiers: ClinVar variation 377100 (VCV000377100.3), dbSNP rs1057520133, ClinGen allele CA16603268.

ClinVar aggregate classification (germline): Uncertain significance (1 of 4 stars; one submission).

Submission:

Center for Pediatric Genomic Medicine, Children's Mercy Hospital and Clinics
Classification: Uncertain significance. Last evaluated: 2016-12-29. Review status: criteria provided, single submitter. Criteria: ACMG Guidelines, 2015. Collection method: clinical testing. Allele origin: germline.
ClinVar note: Converted during submission from Uncertain Significance to Uncertain significance.